The following is an entry in ClinVar:

ClinVar aggregate classification (germline): Likely benign (0 of 4 stars; one submission).

Conditions:
ITSN1-related disorder. Also called: ITSN1-related condition.

Allele frequency attached by ClinVar (database versions not stated): gnomAD exomes 0.00006; ExAC 0.00021; 1000 Genomes Project 30x 0.00031; 1000 Genomes Project 0.00040; gnomAD 0.00064; ESP Exome Variant Server 0.00069; TOPMed 0.00076.
gnomAD v4.1: 185 of 1,614,032 alleles (0.011%); highest among the groups gnomAD compares: African/African-American, 0.22%; no homozygotes.

Submission:

PreventionGenetics, part of Exact Sciences
Classification: Likely benign for ITSN1-related condition. Last evaluated: 2019-12-05. Review status: no assertion criteria provided. Collection method: clinical testing. Allele origin: germline.
Comment: This variant is classified as likely benign based on ACMG/AMP sequence variant interpretation guidelines (Richards et al. 2015 PMID: 25741868, with internal and published modifications).

NM_003024.3(ITSN1):c.1507T>C (p.Leu503=)

Gene: ITSN1 (intersectin 1; plus strand). Cytogenetic location: 21q22.11.
Variant type: single nucleotide variant.
Coding change: c.1507T>C on transcript NM_003024.3 (MANE Select); coding-DNA position 1507, T replaced by C.
Protein change: p.Leu503=; no amino-acid change (leucine 503 retained).
Molecular consequence: synonymous variant.
Genome position (GRCh38, 1-based): chr21:33,775,019, T>C. VCF-style: chr21-33775019-T-C. GRCh37 (hg19) VCF-style: chr21-35147323-T-C.
Other names: c.1507T>C, p.Leu503= (NM_001001132.2, NM_001331008.2, NM_001331009.2 and 2 more transcripts); c.1396T>C, p.Leu466= (NM_001331012.2).
Identifiers: ClinVar variation 3049132 (VCV003049132.2), dbSNP rs148635676, ClinGen allele CA10011588.